The following is an entry in ClinVar:

NM_001042492.3(NF1):c.6159G>C (p.Arg2053Ser)

Gene: NF1 (neurofibromin 1; plus strand). Cytogenetic location: 17q11.2.
Variant type: single nucleotide variant.
Coding change: c.6159G>C on transcript NM_001042492.3 (MANE Select); coding-DNA position 6159, G replaced by C.
Protein change: p.Arg2053Ser; replaces arginine 2053 with serine.
Molecular consequence: missense variant.
Genome position (GRCh38, 1-based): chr17:31,336,646, G>C. VCF-style: chr17-31336646-G-C. GRCh37 (hg19) VCF-style: chr17-29663664-G-C.
Other names: c.6096G>C, p.Arg2032Ser (NM_000267.4); short protein forms R2053S, R2032S.
Identifiers: ClinVar variation 1751529 (VCV001751529.2), dbSNP rs2151554306, ClinGen allele CA399011712.

ClinVar aggregate classification (germline): Uncertain significance (1 of 4 stars; one submission).

Conditions:
Cardiovascular phenotype. Identifiers: MedGen CN230736.
Hereditary cancer-predisposing syndrome. Also called: Hereditary Cancer Syndrome; Hereditary neoplastic syndrome; Neoplastic Syndromes, Hereditary; Tumor predisposition. Identifiers: Orphanet 140162, MedGen C0027672, MeSH D009386, MONDO:0015356.

Submission:

Ambry Genetics
Classification: Uncertain significance for Cardiovascular phenotype; Hereditary cancer-predisposing syndrome. Last evaluated: 2022-05-11. Review status: criteria provided, single submitter. Criteria: Ambry Variant Classification Scheme 2023. Collection method: clinical testing. Allele origin: germline.
Comment: The p.R2032S variant (also known as c.6096G>C), located in coding exon 41 of the NF1 gene, results from a G to C substitution at nucleotide position 6096. The arginine at codon 2032 is replaced by serine, an amino acid with dissimilar properties. This amino acid position is conserved. In addition, this alteration is predicted to be deleterious by in silico analysis. Since supporting evidence is limited at this time, the clinical significance of this alteration remains unclear.